The following is an entry in ClinVar:

ClinVar aggregate classification (germline): Uncertain significance (1 of 4 stars; one submission).

Conditions:
Inborn genetic diseases. Identifiers: MedGen C0950123, MeSH D030342.

Allele frequency attached by ClinVar (database versions not stated): gnomAD exomes below 0.00001; gnomAD 0.00001; TOPMed 0.00001.
gnomAD v4.1: 2 of 1,614,088 alleles (0.00012%); highest among the groups gnomAD compares: African/African-American, 0.0027%; no homozygotes.

Submission:

Ambry Genetics
Classification: Uncertain significance for Inborn genetic diseases. Last evaluated: 2019-12-11. Review status: criteria provided, single submitter. Criteria: Ambry Variant Classification Scheme 2023. Collection method: clinical testing. Allele origin: germline.
Comment: The p.G1920A variant (also known as c.5759G>C), located in coding exon 30 of the SPG11 gene, results from a G to C substitution at nucleotide position 5759. The glycine at codon 1920 is replaced by alanine, an amino acid with similar properties. This amino acid position is well conserved in available vertebrate species. In addition, this alteration is predicted to be tolerated by in silico analysis. Since supporting evidence is limited at this time, the clinical significance of this alteration remains unclear.

NM_025137.4(SPG11):c.5759G>C (p.Gly1920Ala)

Gene: SPG11 (SPG11 vesicle trafficking associated, spatacsin; minus strand). Cytogenetic location: 15q21.1.
Variant type: single nucleotide variant.
Coding change: c.5759G>C on transcript NM_025137.4 (MANE Select); coding-DNA position 5759, G replaced by C.
Protein change: p.Gly1920Ala; replaces glycine 1920 with alanine.
Molecular consequence: missense variant.
Genome position (GRCh38, 1-based): chr15:44,583,921, C>G on the plus strand (G>C on the coding strand, the complement: SPG11 is on the minus strand). VCF-style: chr15-44583921-C-G. GRCh37 (hg19) VCF-style: chr15-44876119-C-G.
Other names: c.5759G>C, p.Gly1920Ala (NM_001160227.2); c.5615G>C, p.Gly1872Ala (NM_001411132.1); short protein forms G1872A, G1920A.
Identifiers: ClinVar variation 1749457 (VCV001749457.2), dbSNP rs1445593607, ClinGen allele CA392221397.